The following is an entry in ClinVar:

NM_001563.4(IMPG1):c.1725_1730del (p.Phe576_Phe577del)

Gene: IMPG1 (interphotoreceptor matrix proteoglycan 1; minus strand). Cytogenetic location: 6q14.1.
Variant type: Deletion.
Coding change: c.1725_1730del on transcript NM_001563.4 (MANE Select); coding-DNA positions 1725 to 1730, 6 bases deleted (GTTCTT; older notation c.1725_1730delGTTCTT).
Protein change: p.Phe576_Phe577del.
Molecular consequence: inframe deletion.
Genome position (GRCh38, 1-based): chr6:75,950,656-75,950,661, AAGAAC deleted on the plus strand (GTTCTT on the coding strand, the reverse complement: IMPG1 is on the minus strand); deleting any 6 consecutive bases within chr6:75,950,656-75,950,662 gives the same sequence; the c. name uses the placement nearest the transcript's 3' end. VCF-style (leftmost placement, unchanged base first): chr6-75950655-GAAGAAC-G. GRCh37 (hg19) VCF-style: chr6-76660372-GAAGAAC-G.
Other names: c.1491_1496del, p.Phe498_Phe499del (NM_001282368.2).
Identifiers: ClinVar variation 2011261 (VCV002011261.4), dbSNP rs2535897166, ClinGen allele CA2580075859.
Genomic context (GRCh38, chr6:75,950,655, plus strand): 5'-CTCCAGAGAGCTCTTGTTGAACAGGTCGTTGGAGAAGGCCATGTTAGCAACACGCAGACT[GAAGAAC>G]ACTACCAGCTCTCGGCCCTTGGGGGCAATGGTCATAGAACTAGTGGTGATATACTGTAAA-3'

ClinVar aggregate classification (germline): Uncertain significance (1 of 4 stars; one submission).

Submission:

Labcorp Genetics (formerly Invitae), Labcorp
Classification: Uncertain significance. Last evaluated: 2022-06-27. Review status: criteria provided, single submitter. Criteria: Invitae Variant Classification Sherloc (09022015). Collection method: clinical testing. Allele origin: germline.
Comment: This variant has not been reported in the literature in individuals affected with IMPG1-related conditions. Experimental studies and prediction algorithms are not available or were not evaluated, and the functional significance of this variant is currently unknown. In summary, the available evidence is currently insufficient to determine the role of this variant in disease. Therefore, it has been classified as a Variant of Uncertain Significance. This variant is not present in population databases (gnomAD no frequency). This variant, c.1725_1730del, results in the deletion of 2 amino acid(s) of the IMPG1 protein (p.Phe576_Phe577del), but otherwise preserves the integrity of the reading frame.